The following is an entry in ClinVar:

ClinVar aggregate classification (germline): Likely benign (1 of 4 stars; one submission).

Allele frequency attached by ClinVar (database versions not stated): TOPMed 0.00002.
gnomAD v4.1: 9 of 1,614,086 alleles (0.00056%); highest among the groups gnomAD compares: Admixed American, 0.0017%; no homozygotes.

Submission:

CeGaT Center for Human Genetics Tuebingen
Classification: Likely benign. Last evaluated: 2022-08-01. Review status: criteria provided, single submitter. Criteria: CeGaT Center For Human Genetics Tuebingen Variant Classification Criteria Version 2. Collection method: clinical testing. Allele origin: germline. Affected: yes. Observed: 1 variant allele.
Comment: DNASE1: BP4, BP7

NM_005223.4(DNASE1):c.552C>T (p.Asp184=)

Gene: DNASE1 (deoxyribonuclease 1; plus strand). Cytogenetic location: 16p13.3.
Variant type: single nucleotide variant.
Coding change: c.552C>T on transcript NM_005223.4 (MANE Select); coding-DNA position 552, C replaced by T.
Protein change: p.Asp184=; no amino-acid change (aspartic acid 184 retained).
Molecular consequence: synonymous variant. On other transcripts: non-coding transcript variant (2).
Genome position (GRCh38, 1-based): chr16:3,657,189, C>T. VCF-style: chr16-3657189-C-T. GRCh37 (hg19) VCF-style: chr16-3707190-C-T.
Other names: c.552C>T, p.Asp184= (NM_001351825.2, NM_001387135.1, NM_001387140.1); c.621C>T, p.Asp207= (NM_001387139.1); c.345C>T, p.Asp115= (NM_001387141.1).
Identifiers: ClinVar variation 2646122 (VCV002646122.24), dbSNP rs769436738, ClinGen allele CA7867376.